The following is an entry in ClinVar:

NM_004104.5(FASN):c.6907C>T (p.Arg2303Cys)

Gene: FASN (fatty acid synthase; minus strand). Cytogenetic location: 17q25.3.
Variant type: single nucleotide variant.
Coding change: c.6907C>T on transcript NM_004104.5 (MANE Select); coding-DNA position 6907, C replaced by T.
Protein change: p.Arg2303Cys; replaces arginine 2303 with cysteine.
Molecular consequence: missense variant.
Genome position (GRCh38, 1-based): chr17:82,080,510, G>A on the plus strand (C>T on the coding strand, the complement: FASN is on the minus strand). VCF-style: chr17-82080510-G-A. GRCh37 (hg19) VCF-style: chr17-80038386-G-A.
Other names: short protein forms R2303C.
Identifiers: ClinVar variation 971127 (VCV000971127.10), dbSNP rs538886615, ClinGen allele CA8851158.
Genomic context (GRCh38, chr17:82,080,510, plus strand): 5'-CCTGCAGCTGGGAGCACATTTCAAAGGCCACGCAGGCCCCGTAGGAGTAGCCGGCCACGC[G>A]GTAGGGGCCCTCGGGCTGCACCTGCCTGATGCAGTCGATGTAGTAGGCAGCCAGGCTGTG-3'
Protein context (NP_004095.4, residues 2293-2313): IRQVQPEGPY[Arg2303Cys]VAGYSYGACV

ClinVar aggregate classification (germline): Uncertain significance (1 of 4 stars; one submission).

Conditions:
Epileptic encephalopathy. Identifiers: MedGen C0543888, HP:0200134.

Allele frequency attached by ClinVar (database versions not stated): ExAC below 0.00001; gnomAD exomes 0.00001; gnomAD 0.00002; TOPMed 0.00002; 1000 Genomes Project 30x 0.00031; 1000 Genomes Project 0.00040.
gnomAD v4.1: 14 of 1,564,018 alleles (0.0009%); highest among the groups gnomAD compares: South Asian, 0.0047%; no homozygotes.

Submission:

Labcorp Genetics (formerly Invitae), Labcorp
Classification: Uncertain significance for Epileptic encephalopathy. Last evaluated: 2025-12-11. Review status: criteria provided, single submitter. Criteria: Invitae Variant Classification Sherloc (09022015). Collection method: clinical testing. Allele origin: germline.
Comment: This sequence change replaces arginine, which is basic and polar, with cysteine, which is neutral and slightly polar, at codon 2303 of the FASN protein (p.Arg2303Cys). This variant is not present in population databases (gnomAD no frequency). This variant has not been reported in the literature in individuals affected with FASN-related conditions. ClinVar contains an entry for this variant (Variation ID: 971127). An algorithm developed to predict the effect of missense changes on protein structure and function (PolyPhen-2) suggests that this variant is likely to be tolerated. In summary, the available evidence is currently insufficient to determine the role of this variant in disease. Therefore, it has been classified as a Variant of Uncertain Significance.